The following is an entry in ClinVar:

NM_001267550.2(TTN):c.106022C>G (p.Thr35341Ser)

Genes: TTN (titin; minus strand), TTN-AS1 (TTN antisense RNA 1; plus strand), LOC129935182 (ATAC-STARR-seq lymphoblastoid active region 16807; plus strand). Cytogenetic location: 2q31.2.
Variant type: single nucleotide variant.
Coding change: c.106022C>G on transcript NM_001267550.2 (MANE Select); coding-DNA position 106022, C replaced by G.
Protein change: p.Thr35341Ser; replaces threonine 35341 with serine.
Molecular consequence: missense variant.
Genome position (GRCh38, 1-based): chr2:178,530,593, G>C on the plus strand (C>G on the coding strand, the complement: TTN is on the minus strand). VCF-style: chr2-178530593-G-C. GRCh37 (hg19) VCF-style: chr2-179395320-G-C.
Other names: c.101099C>G, p.Thr33700Ser (NM_001256850.1); c.78827C>G, p.Thr26276Ser (NM_003319.4); c.98318C>G, p.Thr32773Ser (NM_133378.4); c.79202C>G, p.Thr26401Ser (NM_133432.3); c.79403C>G, p.Thr26468Ser (NM_133437.4); short protein forms T26468S, T26276S, T33700S, T26401S, T32773S, T35341S.
Identifiers: ClinVar variation 2016721 (VCV002016721.4), dbSNP rs2468376928, ClinGen allele CA349407201.
Genomic context (GRCh38, chr2:178,530,593, plus strand): 5'-ATCTCACAAACATATTCTCCTTGATCAGATTCAGTGAGGTTATTGATTTTGAGCTCATAG[G>C]TACCATCTGCTGAATAATGAAACTGGAAATGCCCATTTTCCTTCAGTTTCTTGCCATCTT-3'
Protein context (NP_001254479.2, residues 35331-35351): HFQFHYSADG[Thr35341Ser]YELKINNLTE

ClinVar aggregate classification (germline): Uncertain significance (1 of 4 stars; one submission).

Conditions:
Autosomal recessive limb-girdle muscular dystrophy type 2J (LGMDR10). Also called: Limb-girdle muscular dystrophy, type 2J; MUSCULAR DYSTROPHY, LIMB-GIRDLE, AUTOSOMAL RECESSIVE 10. Identifiers: Orphanet 140922, MedGen C1837342, MONDO:0012127, OMIM 608807.
Dilated cardiomyopathy 1G (CMD1G). Identifiers: Orphanet 154, MedGen C1858763, MONDO:0011400, OMIM 604145.

Submission:

Labcorp Genetics (formerly Invitae), Labcorp
Classification: Uncertain significance for Dilated cardiomyopathy 1G; Autosomal recessive limb-girdle muscular dystrophy type 2J. Last evaluated: 2022-07-25. Review status: criteria provided, single submitter. Criteria: Invitae Variant Classification Sherloc (09022015). Collection method: clinical testing. Allele origin: germline.
Comment: This variant is located in the M band of TTN (PMID: 25589632). Variants in this region may be relevant for neuromuscular disorders, but have not been definitively shown to cause cardiomyopathy (PMID: 23975875). In summary, the available evidence is currently insufficient to determine the role of this variant in disease. Therefore, it has been classified as a Variant of Uncertain Significance. This sequence change replaces threonine, which is neutral and polar, with serine, which is neutral and polar, at codon 35341 of the TTN protein (p.Thr35341Ser). This variant is not present in population databases (gnomAD no frequency). This variant has not been reported in the literature in individuals affected with TTN-related conditions. Experimental studies and prediction algorithms are not available or were not evaluated, and the functional significance of this variant is currently unknown.

Literature cited by the submitters: PubMed 25589632; PubMed 23975875.